The following is an entry in ClinVar:

NM_006939.4(SOS2):c.1858A>G (p.Asn620Asp)

Gene: SOS2 (SOS Ras/Rho guanine nucleotide exchange factor 2; minus strand). Cytogenetic location: 14q21.3.
Variant type: single nucleotide variant.
Coding change: c.1858A>G on transcript NM_006939.4 (MANE Select); coding-DNA position 1858, A replaced by G.
Protein change: p.Asn620Asp; replaces asparagine 620 with aspartic acid.
Molecular consequence: missense variant.
Genome position (GRCh38, 1-based): chr14:50,158,641, T>C on the plus strand (A>G on the coding strand, the complement: SOS2 is on the minus strand). VCF-style: chr14-50158641-T-C. GRCh37 (hg19) VCF-style: chr14-50625359-T-C.
Other names: c.1759A>G, p.Asn587Asp (NM_001411020.1); short protein forms N620D, N587D.
Identifiers: ClinVar variation 4709543 (VCV004709543.1).

ClinVar aggregate classification (germline): Uncertain significance (1 of 4 stars; one submission).

Conditions:
Noonan syndrome 9 (NS9). Identifiers: Orphanet 648, MedGen C4225282, MONDO:0014691, OMIM 616559.

gnomAD v4.1: 1 of 1,600,794 alleles (0.000062%); no homozygotes.

Submission:

Labcorp Genetics (formerly Invitae), Labcorp
Classification: Uncertain significance for Noonan syndrome 9. Last evaluated: 2025-03-09. Review status: criteria provided, single submitter. Criteria: Invitae Variant Classification Sherloc (09022015). Collection method: clinical testing. Allele origin: germline.
Comment: This sequence change replaces asparagine, which is neutral and polar, with aspartic acid, which is acidic and polar, at codon 620 of the SOS2 protein (p.Asn620Asp). This variant is not present in population databases (gnomAD no frequency). This variant has not been reported in the literature in individuals affected with SOS2-related conditions. Invitae Evidence Modeling of protein sequence and biophysical properties (such as structural, functional, and spatial information, amino acid conservation, physicochemical variation, residue mobility, and thermodynamic stability) indicates that this missense variant is not expected to disrupt SOS2 protein function with a negative predictive value of 95%. In summary, the available evidence is currently insufficient to determine the role of this variant in disease. Therefore, it has been classified as a Variant of Uncertain Significance.